The following is an entry in ClinVar:

ClinVar aggregate classification (germline): Uncertain significance (1 of 4 stars; one submission).

Submission:

GeneDx
Classification: Uncertain significance. Last evaluated: 2025-09-09. Review status: criteria provided, single submitter. Criteria: GeneDx Variant Classification Process June 2021. Collection method: clinical testing. Allele origin: germline.
Comment: Not observed at significant frequency in large population cohorts (gnomAD); In silico analysis supports a deleterious effect on splicing; Has not been previously published as pathogenic or benign to our knowledge

NM_001759.4(CCND2):c.571+6A>G

Gene: CCND2 (cyclin D2; plus strand). Cytogenetic location: 12p13.32.
Variant type: single nucleotide variant.
Coding change: c.571+6A>G on transcript NM_001759.4 (MANE Select); 6 bases into the intron after coding-DNA position 571, A replaced by G.
Molecular consequence: intron variant.
Genome position (GRCh38, 1-based): chr12:4,278,925, A>G. VCF-style: chr12-4278925-A-G. GRCh37 (hg19) VCF-style: chr12-4388091-A-G.
Identifiers: ClinVar variation 3375853 (VCV003375853.2).